The following is an entry in ClinVar:

ClinVar aggregate classification (germline): Pathogenic (1 of 4 stars; one submission).

Conditions:
Hereditary cancer-predisposing syndrome. Also called: Neoplastic Syndromes, Hereditary; Tumor predisposition; Hereditary neoplastic syndrome; Hereditary Cancer Syndrome. Identifiers: Orphanet 140162, MedGen C0027672, MeSH D009386, MONDO:0015356.

Submission:

Ambry Genetics
Classification: Pathogenic for Hereditary cancer-predisposing syndrome. Last evaluated: 2026-08-26. Review status: criteria provided, single submitter. Criteria: Ambry Variant Classification Scheme 2023. Collection method: clinical testing. Allele origin: germline.
Comment: The c.1095delA pathogenic mutation, located in coding exon 9 of the POT1 gene, results from a deletion of one nucleotide at nucleotide position 1095, causing a translational frameshift with a predicted alternate stop codon (p.K365Nfs*2). This variant is considered to be rare based on population cohorts in the Genome Aggregation Database (gnomAD). This alteration is expected to result in loss of function by premature protein truncation or nonsense-mediated mRNA decay. As such, this alteration is interpreted as a disease-causing mutation.

NM_015450.3(POT1):c.1095del (p.Lys365fs)

Gene: POT1 (protection of telomeres 1; minus strand). Cytogenetic location: 7q31.33.
Variant type: Deletion.
Coding change: c.1095del on transcript NM_015450.3 (MANE Select); coding-DNA position 1095, one base deleted (A; older notation c.1095delA).
Protein change: p.Lys365fs; shifts the reading frame from lysine 365.
Molecular consequence: frameshift variant. On other transcripts: non-coding transcript variant (3).
Genome position (GRCh38, 1-based): chr7:124,842,875, T deleted on the plus strand (A on the coding strand, the reverse complement: POT1 is on the minus strand); the first of 4 consecutive T bases (chr7:124,842,875-124,842,878); deleting any one gives the same sequence. VCF-style (leftmost placement, unchanged base first): chr7-124842874-AT-A. GRCh37 (hg19) VCF-style: chr7-124482928-AT-A.
Other names: c.702del, p.Lys234fs (NM_001042594.2); short protein forms K365fs, K234fs.
Identifiers: ClinVar variation 5027191 (VCV005027191.1).